The following is an entry in ClinVar:

NM_012431.3(SEMA3E):c.67G>A (p.Gly23Ser)

Gene: SEMA3E (semaphorin 3E; minus strand). Cytogenetic location: 7q21.11.
Variant type: single nucleotide variant.
Coding change: c.67G>A on transcript NM_012431.3 (MANE Select); coding-DNA position 67, G replaced by A.
Protein change: p.Gly23Ser; replaces glycine 23 with serine.
Molecular consequence: missense variant.
Genome position (GRCh38, 1-based): chr7:83,648,476, C>T on the plus strand (G>A on the coding strand, the complement: SEMA3E is on the minus strand). VCF-style: chr7-83648476-C-T. GRCh37 (hg19) VCF-style: chr7-83277792-C-T.
Other names: short protein forms G23S.
Identifiers: ClinVar variation 4744901 (VCV004744901.1).

ClinVar aggregate classification (germline): Uncertain significance (1 of 4 stars; one submission).

Conditions:
CHARGE syndrome (CHARGE). Also called: Hittner Hirsch Kreh syndrome; CHARGE ASSOCIATION--COLOBOMA, HEART ANOMALY, CHOANAL ATRESIA, RETARDATION, GENITAL AND EAR ANOMALIES; Coloboma, heart anomaly, choanal atresia, retardation, genital and ear anomalies; CHARGE association; Hall-Hittner syndrome. Identifiers: Orphanet 138, MedGen C0265354, MONDO:0008965.

gnomAD v4.1: 4 of 1,612,354 alleles (0.00025%); highest among the groups gnomAD compares: Admixed American, 0.0033%; no homozygotes.

Submission:

Labcorp Genetics (formerly Invitae), Labcorp
Classification: Uncertain significance for CHARGE syndrome. Last evaluated: 2025-08-26. Review status: criteria provided, single submitter. Criteria: Invitae Variant Classification Sherloc (09022015). Collection method: clinical testing. Allele origin: germline.
Comment: This sequence change replaces glycine, which is neutral and non-polar, with serine, which is neutral and polar, at codon 23 of the SEMA3E protein (p.Gly23Ser). This variant is present in population databases (rs767579448, gnomAD 0.009%). This variant has not been reported in the literature in individuals affected with SEMA3E-related conditions. An algorithm developed to predict the effect of missense changes on protein structure and function (PolyPhen-2) suggests that this variant is likely to be tolerated. In summary, the available evidence is currently insufficient to determine the role of this variant in disease. Therefore, it has been classified as a Variant of Uncertain Significance.